The following is an entry in ClinVar:

ClinVar aggregate classification (germline): Pathogenic (1 of 4 stars; one submission).

Submission:

Labcorp Genetics (formerly Invitae), Labcorp
Classification: Pathogenic. Last evaluated: 2024-02-26. Review status: criteria provided, single submitter. Criteria: Invitae Variant Classification Sherloc (09022015). Collection method: clinical testing. Allele origin: germline.
Comment: This sequence change creates a premature translational stop signal (p.Phe232Leufs*10) in the CTNNB1 gene. It is expected to result in an absent or disrupted protein product. Loss-of-function variants in CTNNB1 are known to be pathogenic (PMID: 23033978, 24614104, 25326669, 26350204, 28575650). This variant is not present in population databases (gnomAD no frequency). This variant has not been reported in the literature in individuals affected with CTNNB1-related conditions. ClinVar contains an entry for this variant (Variation ID: 1453745). For these reasons, this variant has been classified as Pathogenic.

Literature cited by the submitters: PubMed 23033978; PubMed 24614104; PubMed 25326669; PubMed 26350204; PubMed 28575650.

NM_001904.4(CTNNB1):c.696del (p.Phe232fs)

Genes: CTNNB1 (catenin beta 1; plus strand), LOC126806658 (BRD4-independent group 4 enhancer GRCh37_chr3:41265899-41267098; plus strand). Cytogenetic location: 3p22.1.
Variant type: Deletion.
Coding change: c.696del on transcript NM_001904.4 (MANE Select); coding-DNA position 696, one base deleted (T; older notation c.696delT).
Protein change: p.Phe232fs; shifts the reading frame from phenylalanine 232.
Molecular consequence: frameshift variant.
Genome position (GRCh38, 1-based): chr3:41,225,534, T deleted; the last of 3 consecutive T bases (chr3:41,225,532-41,225,534); deleting any one gives the same sequence. VCF-style (leftmost placement, unchanged base first): chr3-41225531-CT-C. GRCh37 (hg19) VCF-style: chr3-41267022-CT-C.
Other names: c.696del, p.Phe232fs (NM_001098209.2, NM_001098210.2); c.675del, p.Phe225fs (NM_001330729.2); short protein forms F225fs, F232fs.
Identifiers: ClinVar variation 1453745 (VCV001453745.6), dbSNP rs2125623360, ClinGen allele CA2573136980.